The following is an entry in ClinVar:

ClinVar aggregate classification (germline): Uncertain significance (1 of 4 stars; one submission).

Conditions:
Atypical glycine encephalopathy. Also called: Glycine encephalopathy with normal serum glycine. Identifiers: Orphanet 289863, MedGen C4310943, MONDO:0015010, OMIM 617301.

Submission:

Labcorp Genetics (formerly Invitae), Labcorp
Classification: Uncertain significance for Atypical glycine encephalopathy. Last evaluated: 2022-11-08. Review status: criteria provided, single submitter. Criteria: Invitae Variant Classification Sherloc (09022015). Collection method: clinical testing. Allele origin: germline.
Comment: This sequence change replaces leucine, which is neutral and non-polar, with phenylalanine, which is neutral and non-polar, at codon 641 of the SLC6A9 protein (p.Leu641Phe). In summary, the available evidence is currently insufficient to determine the role of this variant in disease. Therefore, it has been classified as a Variant of Uncertain Significance. Algorithms developed to predict the effect of missense changes on protein structure and function (SIFT, PolyPhen-2, Align-GVGD) all suggest that this variant is likely to be tolerated. ClinVar contains an entry for this variant (Variation ID: 1469036). This variant has not been reported in the literature in individuals affected with SLC6A9-related conditions. This variant is not present in population databases (gnomAD no frequency).

NM_001024845.3(SLC6A9):c.1702C>T (p.Leu568Phe)

Gene: SLC6A9 (solute carrier family 6 member 9; minus strand). Cytogenetic location: 1p34.1.
Variant type: single nucleotide variant.
Coding change: c.1702C>T on transcript NM_001024845.3 (MANE Select); coding-DNA position 1702, C replaced by T.
Protein change: p.Leu568Phe; replaces leucine 568 with phenylalanine.
Molecular consequence: missense variant. On other transcripts: non-coding transcript variant (1), intron variant (1).
Genome position (GRCh38, 1-based): chr1:43,997,860, G>A on the plus strand (C>T on the coding strand, the complement: SLC6A9 is on the minus strand). VCF-style: chr1-43997860-G-A. GRCh37 (hg19) VCF-style: chr1-44463532-G-A.
Other names: c.1714C>T, p.Leu572Phe (NM_001261380.2); c.1369C>T, p.Leu457Phe (NM_001328626.2); c.1639C>T, p.Leu547Phe (NM_001328627.1); c.1507C>T, p.Leu503Phe (NM_001328628.1); c.1702C>T, p.Leu568Phe (NM_001328629.1); c.1759C>T, p.Leu587Phe (NM_006934.4); c.1921C>T, p.Leu641Phe (NM_201649.4); c.1204-121C>T (NM_001328630.2); short protein forms L568F, L572F, L503F, L641F, L547F, L457F, L587F.
Identifiers: ClinVar variation 1469036 (VCV001469036.8), dbSNP rs2154304007, ClinGen allele CA340066574.